The following is an entry in ClinVar:

ClinVar aggregate classification (germline): Uncertain significance. Review status: criteria provided, multiple submitters, no conflicts (2 of 4 stars). 3 submissions from 3 submitters: Uncertain significance (3). Last evaluated 2025-09-29.

Allele frequency attached by ClinVar (database versions not stated): TOPMed 0.00004; gnomAD exomes 0.00005; gnomAD 0.00007.
gnomAD v4.1: 57 of 1,061,094 alleles (0.0054%); highest among the groups gnomAD compares: Middle Eastern, 0.043%; no homozygotes.

Submissions (3):

Labcorp Genetics (formerly Invitae), Labcorp
Classification: Uncertain significance. Last evaluated: 2025-09-29. Review status: criteria provided, single submitter. Criteria: Invitae Variant Classification Sherloc (09022015). Collection method: clinical testing. Allele origin: germline.
Comment: This sequence change replaces proline, which is neutral and non-polar, with alanine, which is neutral and non-polar, at codon 50 of the HTRA1 protein (p.Pro50Ala). This variant is present in population databases (no rsID available, gnomAD 0.007%). This variant has not been reported in the literature in individuals affected with HTRA1-related conditions. ClinVar contains an entry for this variant (Variation ID: 2056872). Invitae Evidence Modeling of protein sequence and biophysical properties (such as structural, functional, and spatial information, amino acid conservation, physicochemical variation, residue mobility, and thermodynamic stability) has been performed for this missense variant. However, the output from this modeling did not meet the statistical confidence thresholds required to predict the impact of this variant on HTRA1 protein function. In summary, the available evidence is currently insufficient to determine the role of this variant in disease. Therefore, it has been classified as a Variant of Uncertain Significance.

Mayo Clinic Laboratories, Mayo Clinic
Classification: Uncertain significance. Last evaluated: 2025-09-05. Review status: criteria provided, single submitter. Criteria: ACMG Guidelines, 2015. Collection method: clinical testing. Allele origin: germline. Observed: 1 variant allele.
Comment: BP4, PM2_supporting

Blueprint Genetics
Classification: Uncertain significance. Last evaluated: 2024-06-20. Review status: criteria provided, single submitter. Criteria: ACMG Guidelines, 2015. Collection method: clinical testing. Allele origin: germline.

Literature cited by the submitters: PubMed 34626176 (cited by Mayo Clinic Laboratories, Mayo Clinic).

NM_002775.5(HTRA1):c.148C>G (p.Pro50Ala)

Gene: HTRA1 (HtrA serine peptidase 1; plus strand). Cytogenetic location: 10q26.13.
Variant type: single nucleotide variant.
Coding change: c.148C>G on transcript NM_002775.5 (MANE Select); coding-DNA position 148, C replaced by G.
Protein change: p.Pro50Ala; replaces proline 50 with alanine.
Molecular consequence: missense variant.
Genome position (GRCh38, 1-based): chr10:122,461,800, C>G. VCF-style: chr10-122461800-C-G. GRCh37 (hg19) VCF-style: chr10-124221316-C-G.
Other names: p.Pro50Ala; short protein forms P50A.
Identifiers: ClinVar variation 2056872 (VCV002056872.6), dbSNP rs1451656631, ClinGen allele CA378605622.
Genomic context (GRCh38, chr10:122,461,800, plus strand): 5'-TCGGCGCCTTTGGCCGCCGGGTGCCCAGACCGCTGCGAGCCGGCGCGCTGCCCGCCGCAG[C>G]CGGAGCACTGCGAGGGCGGCCGGGCCCGGGACGCGTGCGGCTGCTGCGAGGTGTGCGGCG-3'
Protein context (NP_002766.1, residues 40-60): RCEPARCPPQ[Pro50Ala]EHCEGGRARD